The following is an entry in ClinVar:

ClinVar aggregate classification (germline): Pathogenic. Review status: criteria provided, multiple submitters, no conflicts (2 of 4 stars). 3 submissions from 3 submitters: Pathogenic (2). 1 of the submissions does not count toward it. Last evaluated 2026-01-30.

Conditions:
Hereditary cancer-predisposing syndrome. Also called: Neoplastic Syndromes, Hereditary; Tumor predisposition; Hereditary Cancer Syndrome; Hereditary neoplastic syndrome. Identifiers: Orphanet 140162, MedGen C0027672, MeSH D009386, MONDO:0015356.
Multiple endocrine neoplasia, type 1 (MEN1). Also called: MEN I; WERMER SYNDROME; Endocrine adenomatosis multiple; MEN 1; MEA I. Identifiers: Orphanet 652, MedGen C0025267, MeSH D018761, MONDO:0007540, OMIM 131100.

Submissions (3):

Ambry Genetics
Classification: Pathogenic for Hereditary cancer-predisposing syndrome. Last evaluated: 2026-01-30. Review status: criteria provided, single submitter. Criteria: Ambry Variant Classification Scheme 2023. Collection method: clinical testing. Allele origin: germline.
Comment: The c.1356_1367del12 pathogenic mutation (also known as p.Q453_R456del) is located in coding exon 9 of the MEN1 gene. This variant results from an in-frame GCAGAAGGTGCG deletion at nucleotide positions 1356 to 1367. This results in the in-frame deletion of glutamine, lysine, valine, and arginine residues at codons 453 to 456. This variant was reported in individual(s) with features consistent with multiple endocrine neoplasia type 1 (Vierimaa O et al. Eur J Endocrinol. 2007 Sep;157:285-94; Ambry internal data) and segregated with disease in at least one family (Kyt&ouml;l&auml; S et al. J Med Genet. 2001 Mar;38:185-9). This amino acid region is well conserved in available vertebrate species. In addition, this variant is predicted to be deleterious by in silico analysis. This variant is considered to be rare based on population cohorts in the Genome Aggregation Database (gnomAD). Based on the supporting evidence, this variant is interpreted as a disease-causing mutation.

Labcorp Genetics (formerly Invitae), Labcorp
Classification: Pathogenic for Multiple endocrine neoplasia, type 1. Last evaluated: 2025-03-27. Review status: criteria provided, single submitter. Criteria: Invitae Variant Classification Sherloc (09022015). Collection method: clinical testing. Allele origin: germline.
Comment: This variant, c.1356_1367del, results in the deletion of 4 amino acid(s) of the MEN1 protein (p.Gln453_Arg456del), but otherwise preserves the integrity of the reading frame. This variant is present in population databases (rs760199250, gnomAD 0.008%). This variant has been observed in individuals with multiple endocrine neoplasia type 1 (PMID: 9709921). This variant is also known as 1466del12(GCAGAAGGTGCG). ClinVar contains an entry for this variant (Variation ID: 16708). This variant disrupts a region of the MEN1 protein in which other variant(s) (p.Val455Glu) have been determined to be pathogenic (external communication, internal data). This suggests that this is a clinically significant region of the protein, and that variants that disrupt it are likely to be disease-causing. For these reasons, this variant has been classified as Pathogenic.

OMIM
Classification: Pathogenic for MULTIPLE ENDOCRINE NEOPLASIA, TYPE I. Last evaluated: 2004-07-01. Review status: no assertion criteria provided. Collection method: literature only. Allele origin: germline. Not counted in ClinVar's aggregate classification.

Literature cited by the submitters: PubMed 11303512 (cited by Ambry Genetics); PubMed 17766710 (cited by Ambry Genetics); PubMed 9709921 (cited by Labcorp Genetics (formerly Invitae), Labcorp and OMIM); PubMed 15240620 (cited by OMIM).

NM_130799.2(MEN1):c.1356_1367del12

Gene: MEN1 (menin 1; minus strand). Cytogenetic location: 11q13.1.
Variant type: Deletion.
Coding change: c.1356_1367del12 on transcript NM_130799.2; coding-DNA positions 1356 to 1367, 12 bases deleted (GCAGAAGGTGCG).
Genome position (GRCh38, 1-based): chr11:64,804,800-64,804,811, CGCACCTTCTGC deleted on the plus strand (GCAGAAGGTGCG on the coding strand, the reverse complement: MEN1 is on the minus strand); deleting any 12 consecutive bases within chr11:64,804,800-64,804,818 gives the same sequence; the c. name uses the placement nearest the transcript's 3' end. VCF-style (leftmost placement, unchanged base first): chr11-64804799-GCGCACCTTCTGC-G. GRCh37 (hg19) VCF-style: chr11-64572271-GCGCACCTTCTGC-G.
Identifiers: ClinVar variation 16708 (VCV000016708.4), dbSNP rs760199250, ClinGen allele CA060532.